The following is an entry in ClinVar:

ClinVar aggregate classification (germline): Conflicting classifications of pathogenicity. Review status: criteria provided, conflicting classifications (1 of 4 stars). 2 submissions from 2 submitters: Uncertain significance (1); Likely benign (1). Last evaluated 2025-05-07.

Conditions:
Inborn genetic diseases. Identifiers: MedGen C0950123, MeSH D030342.

gnomAD v4.1: 269 of 1,600,896 alleles (0.017%); highest among the groups gnomAD compares: Admixed American, 0.044%; no homozygotes.

Submissions (2):

Ambry Genetics
Classification: Likely benign for Inborn genetic diseases. Last evaluated: 2025-05-07. Review status: criteria provided, single submitter. Criteria: Ambry Variant Classification Scheme 2023. Collection method: clinical testing. Allele origin: germline.

GeneDx
Classification: Uncertain significance. Last evaluated: 2024-10-31. Review status: criteria provided, single submitter. Criteria: GeneDx Variant Classification Process June 2021. Collection method: clinical testing. Allele origin: germline.
Comment: In silico analysis supports that this missense variant has a deleterious effect on protein structure/function; Has not been previously published as pathogenic or benign to our knowledge

NM_015114.3(ANKLE2):c.193A>G (p.Met65Val)

Gene: ANKLE2 (ankyrin repeat and LEM domain containing 2; minus strand). Cytogenetic location: 12q24.33.
Variant type: single nucleotide variant.
Coding change: c.193A>G on transcript NM_015114.3 (MANE Select); coding-DNA position 193, A replaced by G.
Protein change: p.Met65Val; replaces methionine 65 with valine.
Molecular consequence: missense variant.
Genome position (GRCh38, 1-based): chr12:132,755,122, T>C on the plus strand (A>G on the coding strand, the complement: ANKLE2 is on the minus strand). VCF-style: chr12-132755122-T-C. GRCh37 (hg19) VCF-style: chr12-133331708-T-C.
Other names: c.193A>G (NM_015114.1); short protein forms M65V.
Identifiers: ClinVar variation 3359757 (VCV003359757.3).